The following is an entry in ClinVar:

ClinVar aggregate classification (germline): Uncertain significance. Review status: criteria provided, multiple submitters, no conflicts (2 of 4 stars). 3 submissions from 3 submitters: Uncertain significance (2). 1 of the submissions does not count toward it. Last evaluated 2025-03-13.

Conditions:
SCN3A-related disorder. Also called: SCN3A-related condition.
Inborn genetic diseases. Identifiers: MedGen C0950123, MeSH D030342.

Allele frequency attached by ClinVar (database versions not stated): ExAC 0.00001; gnomAD 0.00001 and 0.00002; gnomAD exomes 0.00001; TOPMed 0.00001; ESP Exome Variant Server 0.00008.
gnomAD v4.1: 12 of 1,614,074 alleles (0.00074%); highest among the groups gnomAD compares: Middle Eastern, 0.049%; no homozygotes.

Submissions (3):

Labcorp Genetics (formerly Invitae), Labcorp
Classification: Uncertain significance. Last evaluated: 2025-03-13. Review status: criteria provided, single submitter. Criteria: Invitae Variant Classification Sherloc (09022015). Collection method: clinical testing. Allele origin: germline.
Comment: This sequence change replaces serine, which is neutral and polar, with glycine, which is neutral and non-polar, at codon 283 of the SCN3A protein (p.Ser283Gly). This variant is present in population databases (rs369051978, gnomAD 0.003%). This variant has not been reported in the literature in individuals affected with SCN3A-related conditions. ClinVar contains an entry for this variant (Variation ID: 1013869). Invitae Evidence Modeling of protein sequence and biophysical properties (such as structural, functional, and spatial information, amino acid conservation, physicochemical variation, residue mobility, and thermodynamic stability) indicates that this missense variant is not expected to disrupt SCN3A protein function with a negative predictive value of 95%. In summary, the available evidence is currently insufficient to determine the role of this variant in disease. Therefore, it has been classified as a Variant of Uncertain Significance.

Ambry Genetics
Classification: Uncertain significance for Inborn genetic diseases. Last evaluated: 2025-02-12. Review status: criteria provided, single submitter. Criteria: Ambry Variant Classification Scheme 2023. Collection method: clinical testing. Allele origin: germline.

PreventionGenetics, part of Exact Sciences
Classification: Uncertain significance for SCN3A-related condition. Last evaluated: 2023-12-07. Review status: no assertion criteria provided. Collection method: clinical testing. Allele origin: germline. Not counted in ClinVar's aggregate classification.
Comment: The SCN3A c.847A>G variant is predicted to result in the amino acid substitution p.Ser283Gly. To our knowledge, this variant has not been reported in the literature. This variant is reported in 0.0029% of alleles in individuals of Latino descent in gnomAD. At this time, the clinical significance of this variant is uncertain due to the absence of conclusive functional and genetic evidence.

NM_006922.4(SCN3A):c.847A>G (p.Ser283Gly)

Gene: SCN3A (sodium voltage-gated channel alpha subunit 3; minus strand). Cytogenetic location: 2q24.3.
Variant type: single nucleotide variant.
Coding change: c.847A>G on transcript NM_006922.4 (MANE Select); coding-DNA position 847, A replaced by G.
Protein change: p.Ser283Gly; replaces serine 283 with glycine.
Molecular consequence: missense variant.
Genome position (GRCh38, 1-based): chr2:165,162,676, T>C on the plus strand (A>G on the coding strand, the complement: SCN3A is on the minus strand). VCF-style: chr2-165162676-T-C. GRCh37 (hg19) VCF-style: chr2-166019186-T-C.
Other names: c.847A>G, p.Ser283Gly (NM_001081676.2, NM_001081677.2); c.847A>G (NM_006922.3); short protein forms S283G.
Identifiers: ClinVar variation 1013869 (VCV001013869.12), dbSNP rs369051978, ClinGen allele CA1939325.